The following is an entry in ClinVar:

NM_001040108.2(MLH3):c.2490T>G (p.Phe830Leu)

Gene: MLH3 (mutL homolog 3; minus strand). Cytogenetic location: 14q24.3.
Variant type: single nucleotide variant.
Coding change: c.2490T>G on transcript NM_001040108.2 (MANE Select); coding-DNA position 2490, T replaced by G.
Protein change: p.Phe830Leu; replaces phenylalanine 830 with leucine.
Molecular consequence: missense variant.
Genome position (GRCh38, 1-based): chr14:75,047,166, A>C on the plus strand (T>G on the coding strand, the complement: MLH3 is on the minus strand). VCF-style: chr14-75047166-A-C. GRCh37 (hg19) VCF-style: chr14-75513869-A-C.
Other names: c.2490T>G, p.Phe830Leu (NM_014381.3); short protein forms F830L.
Identifiers: ClinVar variation 492697 (VCV000492697.27), dbSNP rs114015611, ClinGen allele CA7275694.

ClinVar aggregate classification (germline): Benign/Likely benign. Review status: criteria provided, multiple submitters, no conflicts (2 of 4 stars). 8 submissions from 8 submitters: Benign (2); Likely benign (4). 2 of the submissions do not count toward it. Last evaluated 2025-12-28.

Conditions:
Colorectal cancer, hereditary nonpolyposis, type 7. Identifiers: Orphanet 144, MedGen C1858380, MONDO:0013725, OMIM 614385.
Endometrial carcinoma. Also called: Endometrial carcinoma, somatic. Identifiers: MedGen C0476089, MONDO:0002447, OMIM 608089, HP:0012114.
Colorectal cancer. Also called: Malignant Colorectal Neoplasm; Colorectal cancer, somatic. Identifiers: MedGen C0346629, MONDO:0005575, OMIM 114500.
MLH3-related disorder. Also called: MLH3-related condition.

Allele frequency attached by ClinVar (database versions not stated): gnomAD exomes 0.00015 and 0.00039; ExAC 0.00055; 1000 Genomes Project 0.00120; 1000 Genomes Project 30x 0.00125; gnomAD 0.00165 and 0.00177; TOPMed 0.00172; ESP Exome Variant Server 0.00231.
gnomAD v4.1: 485 of 1,614,168 alleles (0.03%); highest among the groups gnomAD compares: African/African-American, 0.58%; 3 homozygotes.

Submissions (8):

Labcorp Genetics (formerly Invitae), Labcorp
Classification: Benign for Colorectal cancer, hereditary nonpolyposis, type 7. Last evaluated: 2025-12-28. Review status: criteria provided, single submitter. Criteria: Invitae Variant Classification Sherloc (09022015). Collection method: clinical testing. Allele origin: germline.

Blueprint Genetics
Classification: Likely benign. Last evaluated: 2024-10-09. Review status: criteria provided, single submitter. Criteria: ACMG Guidelines, 2015. Collection method: clinical testing. Allele origin: germline.

ARUP Laboratories, Molecular Genetics and Genomics, ARUP Laboratories
Classification: Likely benign. Last evaluated: 2023-12-08. Review status: criteria provided, single submitter. Criteria: ARUP Molecular Germline Variant Investigation Process 2024. Collection method: clinical testing. Allele origin: germline.

Department of Pathology and Laboratory Medicine, Sinai Health System
Classification: Benign for Colorectal cancer; Endometrial carcinoma; Colorectal cancer, hereditary nonpolyposis, type 7. Last evaluated: 2023-10-02. Review status: criteria provided, single submitter. Criteria: ACMG Guidelines, 2015. Collection method: clinical testing. Allele origin: germline. Affected: yes.

Ambry Genetics
Classification: Likely benign. Last evaluated: 2020-06-25. Review status: criteria provided, single submitter. Criteria: Ambry Variant Classification Scheme 2023. Collection method: clinical testing. Allele origin: germline.

Illumina Laboratory Services, Illumina
Classification: Likely benign for Colorectal cancer, hereditary nonpolyposis, type 7. Last evaluated: 2018-01-13. Review status: criteria provided, single submitter. Criteria: ICSL Variant Classification Criteria 13 December 2019. Collection method: clinical testing. Allele origin: germline.
Comment: This variant was observed in the ICSL laboratory as part of a predisposition screen in an ostensibly healthy population. It had not been previously curated by ICSL or reported in the Human Gene Mutation Database (HGMD: prior to June 1st, 2018), and was therefore a candidate for classification through an automated scoring system. Utilizing variant allele frequency, disease prevalence and penetrance estimates, and inheritance mode, an automated score was calculated to assess if this variant is too frequent to cause the disease. Based on the score and internal cut-off values, a variant classified as likely benign is not then subjected to further curation. The score for this variant resulted in a classification of likely benign for this disease.

PreventionGenetics, part of Exact Sciences
Classification: Benign for MLH3-related condition. Last evaluated: 2020-01-02. Review status: no assertion criteria provided. Collection method: clinical testing. Allele origin: germline. Not counted in ClinVar's aggregate classification.
Comment: This variant is classified as benign based on ACMG/AMP sequence variant interpretation guidelines (Richards et al. 2015 PMID: 25741868, with internal and published modifications).

Mayo Clinic Laboratories, Mayo Clinic
Classification: Uncertain significance. Review status: no assertion criteria provided. Collection method: clinical testing. Allele origin: unknown. Not counted in ClinVar's aggregate classification.